The following is an entry in ClinVar:

ClinVar aggregate classification (germline): Uncertain significance (0 of 4 stars; one submission).

Conditions:
Multiple endocrine neoplasia, type 2 (MEN2). Identifiers: Orphanet 653, MedGen C4048306, MONDO:0019003. Disease mechanism: gain of function.

Submission:

Labcorp Genetics (formerly Invitae), Labcorp
Classification: Uncertain significance for Multiple endocrine neoplasia, type 2. Last evaluated: 2014-12-28. Review status: no assertion criteria provided. Collection method: clinical testing. Allele origin: germline.
Comment: This sequence change is a gross duplication of the genomic region encompassing exons 16-20 of the RET gene. This duplication extends to the edge of the assayed region, and the 3' boundary of this event is not known. This sequence change has not been published in the literature, and gross duplications in RET have not been reported. In summary, because the exact 3' boundary of this variant has not been determined, and whether this duplication occurs in tandem is not known, the impact of this duplication on RET protein function can not be unequivocally established. Therefore, it has been classified as a Variant of Uncertain Significance.

NM_020975.5(RET):c.2731-?_*(1_?)del

Genes: RET (ret proto-oncogene; plus strand), LOC130003710 (ATAC-STARR-seq lymphoblastoid active region 3286; plus strand). Cytogenetic location: 10q11.21.
Variant type: Deletion.
Coding change: c.2731-?_*(1_?)del on transcript NM_020975.5.
Other names: c.2731-?_(*1_?)del (LRG_518t1).
Identifiers: ClinVar variation 188371 (VCV000188371.1).